The following is an entry in ClinVar:

NM_000222.3(KIT):c.2102C>A (p.Ala701Glu)

Gene: KIT (KIT proto-oncogene, receptor tyrosine kinase; plus strand). Cytogenetic location: 4q12.
Variant type: single nucleotide variant.
Coding change: c.2102C>A on transcript NM_000222.3 (MANE Select); coding-DNA position 2102, C replaced by A.
Protein change: p.Ala701Glu; replaces alanine 701 with glutamic acid.
Molecular consequence: missense variant.
Genome position (GRCh38, 1-based): chr4:54,729,446, C>A. VCF-style: chr4-54729446-C-A. GRCh37 (hg19) VCF-style: chr4-55595612-C-A.
Other names: c.2090C>A, p.Ala697Glu (NM_001093772.2, NM_001385286.1); c.2105C>A, p.Ala702Glu (NM_001385284.1, NM_001385290.1); c.2102C>A, p.Ala701Glu (NM_001385285.1); c.2093C>A, p.Ala698Glu (NM_001385288.1, NM_001385292.1); short protein forms A697E, A698E, A702E, A701E.
Identifiers: ClinVar variation 2826463 (VCV002826463.3), dbSNP rs2109786828, ClinGen allele CA356909758.

ClinVar aggregate classification (germline): Uncertain significance (1 of 4 stars; one submission).

Conditions:
Gastrointestinal stromal tumor. Also called: Gastrointestinal stromal tumor, somatic; Gastrointestinal stroma tumor. Identifiers: Orphanet 44890, MedGen C0238198, MeSH D046152, MONDO:0011719, OMIM 606764, HP:0100723.

Submission:

Labcorp Genetics (formerly Invitae), Labcorp
Classification: Uncertain significance for Gastrointestinal stromal tumor. Last evaluated: 2023-01-06. Review status: criteria provided, single submitter. Criteria: Invitae Variant Classification Sherloc (09022015). Collection method: clinical testing. Allele origin: germline.
Comment: This variant is not present in population databases (gnomAD no frequency). In summary, the available evidence is currently insufficient to determine the role of this variant in disease. Therefore, it has been classified as a Variant of Uncertain Significance. Algorithms developed to predict the effect of missense changes on protein structure and function are either unavailable or do not agree on the potential impact of this missense change (SIFT: "Deleterious"; PolyPhen-2: "Probably Damaging"; Align-GVGD: "Class C15"). This variant has not been reported in the literature in individuals affected with KIT-related conditions. This sequence change replaces alanine, which is neutral and non-polar, with glutamic acid, which is acidic and polar, at codon 701 of the KIT protein (p.Ala701Glu).